The following is an entry in ClinVar:

ClinVar aggregate classification (germline): Uncertain significance (1 of 4 stars; one submission).

Conditions:
Autosomal dominant limb-girdle muscular dystrophy type 1F (LGMDD2). Also called: Limb-girdle muscular dystrophy, type 1F; MUSCULAR DYSTROPHY, LIMB-GIRDLE, AUTOSOMAL DOMINANT 2. Identifiers: Orphanet 55595, MedGen C1842062, MONDO:0012034, OMIM 608423.

Submission:

Labcorp Genetics (formerly Invitae), Labcorp
Classification: Uncertain significance for Autosomal dominant limb-girdle muscular dystrophy type 1F. Last evaluated: 2025-12-20. Review status: criteria provided, single submitter. Criteria: Invitae Variant Classification Sherloc (09022015). Collection method: clinical testing. Allele origin: germline.
Comment: This sequence change replaces glycine, which is neutral and non-polar, with aspartic acid, which is acidic and polar, at codon 504 of the TNPO3 protein (p.Gly504Asp). This variant is present in population databases (rs778849222, gnomAD 0.0009%). This variant has not been reported in the literature in individuals affected with TNPO3-related conditions. Invitae Evidence Modeling of protein sequence and biophysical properties (such as structural, functional, and spatial information, amino acid conservation, physicochemical variation, residue mobility, and thermodynamic stability) indicates that this missense variant is not expected to disrupt TNPO3 protein function with a negative predictive value of 80%. In summary, the available evidence is currently insufficient to determine the role of this variant in disease. Therefore, it has been classified as a Variant of Uncertain Significance.

NM_012470.4(TNPO3):c.1511G>A (p.Gly504Asp)

Gene: TNPO3 (transportin 3; minus strand). Cytogenetic location: 7q32.1.
Variant type: single nucleotide variant.
Coding change: c.1511G>A on transcript NM_012470.4 (MANE Select); coding-DNA position 1511, G replaced by A.
Protein change: p.Gly504Asp; replaces glycine 504 with aspartic acid.
Molecular consequence: missense variant. On other transcripts: non-coding transcript variant (18), intron variant (2).
Genome position (GRCh38, 1-based): chr7:128,986,908, C>T on the plus strand (G>A on the coding strand, the complement: TNPO3 is on the minus strand). VCF-style: chr7-128986908-C-T. GRCh37 (hg19) VCF-style: chr7-128626962-C-T.
Other names: c.1613G>A, p.Gly538Asp (NM_001382216.1); c.1592G>A, p.Gly531Asp (NM_001382217.1); c.1511G>A, p.Gly504Asp (NM_001382218.1, NM_001382220.1); c.1403G>A, p.Gly468Asp (NM_001382219.1); c.1367G>A, p.Gly456Asp (NM_001382221.1); c.1364G>A, p.Gly455Asp (NM_001382222.1); c.1499-2649G>A (NM_001382223.1, NM_001191028.3); short protein forms G531D, G538D, G456D, G504D, G455D, G468D.
Identifiers: ClinVar variation 4759875 (VCV004759875.1).
Genomic context (GRCh38, chr7:128,986,908, plus strand): 5'-TGAATGGCTTTGGCTGCAGCAGAAGCCAGGGGCTTTTCACACAGGCCTTTCATCAAATAG[C>T]CCAACACAGGGTCTAAGAAGAAAAGCCAAGCAGAGATTACATATCTGAAACTAAAGGAAA-3'
Protein context (NP_036602.1, residues 494-514): RNPQFLDPVL[Gly504Asp]YLMKGLCEKP